The following is an entry in ClinVar:

ClinVar aggregate classification (germline): Uncertain significance. Review status: criteria provided, multiple submitters, no conflicts (2 of 4 stars). 2 submissions from 2 submitters: Uncertain significance (2). Last evaluated 2025-05-20.

Conditions:
Inborn genetic diseases. Identifiers: MedGen C0950123, MeSH D030342.
Muscular dystrophy-dystroglycanopathy (congenital with brain and eye anomalies), type a, 11 (MDDGA11). Also called: Congenital muscular dystrophy-dystroglycanopathy with brain and eye anomalies, type A11; WALKER-WARBURG SYNDROME OR MUSCLE-EYE-BRAIN DISEASE, B3GALNT2-RELATED; Muscular dystrophy-dystroglycanopathy (congenital with brain and eye anomalies, type A, 11. Identifiers: Orphanet 588, Orphanet 899, MedGen C3554638, MONDO:0014071, OMIM 615181.

gnomAD v4.1: 2 of 1,613,194 alleles (0.00012%); highest among the groups gnomAD compares: Admixed American, 0.0017%; no homozygotes.

Submissions (2):

Ambry Genetics
Classification: Uncertain significance for Inborn genetic diseases. Last evaluated: 2025-05-20. Review status: criteria provided, single submitter. Criteria: Ambry Variant Classification Scheme 2023. Collection method: clinical testing. Allele origin: germline.

Labcorp Genetics (formerly Invitae), Labcorp
Classification: Uncertain significance for Muscular dystrophy-dystroglycanopathy (congenital with brain and eye anomalies), type a, 11. Last evaluated: 2021-08-28. Review status: criteria provided, single submitter. Criteria: Invitae Variant Classification Sherloc (09022015). Collection method: clinical testing. Allele origin: germline.
Comment: This sequence change replaces threonine with serine at codon 73 of the B3GALNT2 protein (p.Thr73Ser). The threonine residue is highly conserved and there is a small physicochemical difference between threonine and serine. This variant is not present in population databases (ExAC no frequency). This variant has not been reported in the literature in individuals affected with B3GALNT2-related conditions. Algorithms developed to predict the effect of missense changes on protein structure and function are either unavailable or do not agree on the potential impact of this missense change (SIFT: "Tolerated"; PolyPhen-2: "Probably Damaging"; Align-GVGD: "Class C0"). In summary, the available evidence is currently insufficient to determine the role of this variant in disease. Therefore, it has been classified as a Variant of Uncertain Significance.

NM_152490.5(B3GALNT2):c.218C>G (p.Thr73Ser)

Gene: B3GALNT2 (beta-1,3-N-acetylgalactosaminyltransferase 2; minus strand). Cytogenetic location: 1q42.3.
Variant type: single nucleotide variant.
Coding change: c.218C>G on transcript NM_152490.5 (MANE Select); coding-DNA position 218, C replaced by G.
Protein change: p.Thr73Ser; replaces threonine 73 with serine.
Molecular consequence: missense variant.
Genome position (GRCh38, 1-based): chr1:235,494,723, G>C on the plus strand (C>G on the coding strand, the complement: B3GALNT2 is on the minus strand). VCF-style: chr1-235494723-G-C. GRCh37 (hg19) VCF-style: chr1-235658033-G-C.
Other names: c.341C>G, p.Thr114Ser (NM_001277155.3); c.218C>G (NM_152490.2); short protein forms T114S, T73S.
Identifiers: ClinVar variation 853070 (VCV000853070.5), dbSNP rs372008334, ClinGen allele CA39587502.